The following is an entry in ClinVar:

NM_005845.5(ABCC4):c.2560G>T (p.Val854Phe)

Gene: ABCC4 (ATP binding cassette subfamily C member 4 (PEL blood group); minus strand). Cytogenetic location: 13q32.1.
Variant type: single nucleotide variant.
Coding change: c.2560G>T on transcript NM_005845.5 (MANE Select); coding-DNA position 2560, G replaced by T.
Protein change: p.Val854Phe; replaces valine 854 with phenylalanine.
Molecular consequence: missense variant.
Genome position (GRCh38, 1-based): chr13:95,083,266, C>A on the plus strand (G>T on the coding strand, the complement: ABCC4 is on the minus strand). VCF-style: chr13-95083266-C-A. GRCh37 (hg19) VCF-style: chr13-95735520-C-A.
Other names: p.Val854Phe; c.2419G>T, p.Val807Phe (NM_001301829.2); short protein forms V807F, V854F.
Identifiers: ClinVar variation 4683813 (VCV004683813.1).

ClinVar aggregate classification (germline): Likely benign (1 of 4 stars; one submission).

gnomAD v4.1: 12,589 of 1,613,880 alleles (0.78%); highest among the groups gnomAD compares: South Asian, 3%; 108 homozygotes.

Submission:

Mayo Clinic Laboratories, Mayo Clinic
Classification: Likely benign. Last evaluated: 2024-01-09. Review status: criteria provided, single submitter. Criteria: ACMG Guidelines, 2015. Collection method: clinical testing. Allele origin: germline. Observed: 8 variant alleles.
Comment: BS1, BS2, BS3_supporting, PM1